The following is an entry in ClinVar:

ClinVar aggregate classification (germline): Uncertain significance. Review status: criteria provided, multiple submitters, no conflicts (2 of 4 stars). 2 submissions from 2 submitters: Uncertain significance (2). Last evaluated 2025-08-08.

Conditions:
Inborn genetic diseases. Identifiers: MedGen C0950123, MeSH D030342.

Allele frequency attached by ClinVar (database versions not stated): ESP Exome Variant Server 0.00008.
gnomAD v4.1: 3 of 1,613,810 alleles (0.00019%); highest among the groups gnomAD compares: African/African-American, 0.0013%; no homozygotes.

Submissions (2):

Ambry Genetics
Classification: Uncertain significance for Inborn genetic diseases. Last evaluated: 2025-08-08. Review status: criteria provided, single submitter. Criteria: Ambry Variant Classification Scheme 2023. Collection method: clinical testing. Allele origin: germline.

Labcorp Genetics (formerly Invitae), Labcorp
Classification: Uncertain significance. Last evaluated: 2023-09-30. Review status: criteria provided, single submitter. Criteria: Invitae Variant Classification Sherloc (09022015). Collection method: clinical testing. Allele origin: germline.
Comment: This sequence change replaces threonine, which is neutral and polar, with isoleucine, which is neutral and non-polar, at codon 2063 of the VCAN protein (p.Thr2063Ile). The frequency data for this variant in the population databases is considered unreliable, as metrics indicate poor data quality at this position in the gnomAD database. This variant has not been reported in the literature in individuals affected with VCAN-related conditions. ClinVar contains an entry for this variant (Variation ID: 960953). Algorithms developed to predict the effect of missense changes on protein structure and function output the following: SIFT: "Not Available"; PolyPhen-2: "Benign"; Align-GVGD: "Not Available". The isoleucine amino acid residue is found in multiple mammalian species, which suggests that this missense change does not adversely affect protein function. In summary, the available evidence is currently insufficient to determine the role of this variant in disease. Therefore, it has been classified as a Variant of Uncertain Significance.

NM_004385.5(VCAN):c.6188C>T (p.Thr2063Ile)

Genes: VCAN (versican; plus strand), VCAN-AS1 (VCAN antisense RNA 1; minus strand). Cytogenetic location: 5q14.3.
Variant type: single nucleotide variant.
Coding change: c.6188C>T on transcript NM_004385.5 (MANE Select); coding-DNA position 6188, C replaced by T.
Protein change: p.Thr2063Ile; replaces threonine 2063 with isoleucine.
Molecular consequence: missense variant. On other transcripts: intron variant (2).
Genome position (GRCh38, 1-based): chr5:83,539,191, C>T. VCF-style: chr5-83539191-C-T. GRCh37 (hg19) VCF-style: chr5-82835010-C-T.
Other names: c.3227C>T, p.Thr1076Ile (NM_001164097.2); c.4004-6346C>T (NM_001164098.2); c.1043-6346C>T (NM_001126336.3); short protein forms T2063I, T1076I.
Identifiers: ClinVar variation 960953 (VCV000960953.8), dbSNP rs368052136, ClinGen allele CA3333446.